The following is an entry in ClinVar:

ClinVar aggregate classification (germline): Likely benign (1 of 4 stars; one submission).

gnomAD v4.1: 17 of 1,614,176 alleles (0.0011%); highest among the groups gnomAD compares: Non-Finnish European, 0.0014%; no homozygotes.

Submission:

Mayo Clinic Laboratories, Mayo Clinic
Classification: Likely benign. Last evaluated: 2025-09-25. Review status: criteria provided, single submitter. Criteria: ACMG Guidelines, 2015. Collection method: clinical testing. Allele origin: germline. Observed: 1 variant allele.
Comment: BP4, BP7

NM_182961.4(SYNE1):c.8538A>G (p.Leu2846=)

Genes: SYNE1 (spectrin repeat containing nuclear envelope protein 1; minus strand), LOC126859838 (CDK7 strongly-dependent group 2 enhancer GRCh37_chr6:152706655-152707854; plus strand). Cytogenetic location: 6q25.2.
Variant type: single nucleotide variant.
Coding change: c.8538A>G on transcript NM_182961.4 (MANE Select); coding-DNA position 8538, A replaced by G.
Protein change: p.Leu2846=; no amino-acid change (leucine 2846 retained).
Molecular consequence: synonymous variant.
Genome position (GRCh38, 1-based): chr6:152,385,788, T>C on the plus strand (A>G on the coding strand, the complement: SYNE1 is on the minus strand). VCF-style: chr6-152385788-T-C. GRCh37 (hg19) VCF-style: chr6-152706923-T-C.
Other names: p.Leu2853=; c.8559A>G, p.Leu2853= (NM_033071.5).
Identifiers: ClinVar variation 4683230 (VCV004683230.1).